The following is an entry in ClinVar:

ClinVar aggregate classification (germline): Uncertain significance. Review status: criteria provided, multiple submitters, no conflicts (2 of 4 stars). 3 submissions from 3 submitters: Uncertain significance (3). Last evaluated 2026-05-04.

Conditions:
SCN11A-related disorder. Also called: SCN11A-related condition.
Hereditary sensory and autonomic neuropathy type 7. Also called: Neuropathy, hereditary sensory and autonomic, type VII; HSAN VII. Identifiers: Orphanet 391397, MedGen C3809882, MONDO:0014244, OMIM 615548.
Familial episodic pain syndrome with predominantly lower limb involvement. Also called: Episodic pain syndrome, familial, 3. Identifiers: Orphanet 391384, Orphanet 391392, MedGen C3809899, MONDO:0014247, OMIM 615552.
Inborn genetic diseases. Identifiers: MedGen C0950123, MeSH D030342.

Allele frequency attached by ClinVar (database versions not stated): gnomAD 0.00001; TOPMed 0.00001.
gnomAD v4.1: 3 of 1,614,152 alleles (0.00019%); highest among the groups gnomAD compares: Admixed American, 0.0033%; no homozygotes.

Submissions (3):

PreventionGenetics, part of Exact Sciences
Classification: Uncertain significance for SCN11A-related condition. Last evaluated: 2026-05-04. Review status: criteria provided, single submitter. Criteria: ACMG Guidelines, 2015. Collection method: clinical testing. Allele origin: germline.
Comment: The SCN11A c.2109C>G variant is predicted to result in the amino acid substitution p.Ser703Arg. To our knowledge, this variant has not been reported in the literature. This variant is reported in 0.0062% of alleles in individuals of African descent in gnomAD. At this time, the clinical significance of this variant is uncertain due to the absence of conclusive functional and genetic evidence.

Ambry Genetics
Classification: Uncertain significance for Inborn genetic diseases. Last evaluated: 2025-08-06. Review status: criteria provided, single submitter. Criteria: Ambry Variant Classification Scheme 2023. Collection method: clinical testing. Allele origin: germline.

Labcorp Genetics (formerly Invitae), Labcorp
Classification: Uncertain significance for Familial episodic pain syndrome with predominantly lower limb involvement; Hereditary sensory and autonomic neuropathy type 7. Last evaluated: 2023-08-31. Review status: criteria provided, single submitter. Criteria: Invitae Variant Classification Sherloc (09022015). Collection method: clinical testing. Allele origin: germline.
Comment: Advanced modeling of protein sequence and biophysical properties (such as structural, functional, and spatial information, amino acid conservation, physicochemical variation, residue mobility, and thermodynamic stability) performed at Invitae indicates that this missense variant is not expected to disrupt SCN11A protein function. ClinVar contains an entry for this variant (Variation ID: 644628). In summary, the available evidence is currently insufficient to determine the role of this variant in disease. Therefore, it has been classified as a Variant of Uncertain Significance. This sequence change replaces serine, which is neutral and polar, with arginine, which is basic and polar, at codon 703 of the SCN11A protein (p.Ser703Arg). This variant is present in population databases (no rsID available, gnomAD 0.007%). This variant has not been reported in the literature in individuals affected with SCN11A-related conditions.

NM_001349253.2(SCN11A):c.2109C>G (p.Ser703Arg)

Gene: SCN11A (sodium voltage-gated channel alpha subunit 11; minus strand). Cytogenetic location: 3p22.2.
Variant type: single nucleotide variant.
Coding change: c.2109C>G on transcript NM_001349253.2 (MANE Select); coding-DNA position 2109, C replaced by G.
Protein change: p.Ser703Arg; replaces serine 703 with arginine.
Molecular consequence: missense variant.
Genome position (GRCh38, 1-based): chr3:38,897,139, G>C on the plus strand (C>G on the coding strand, the complement: SCN11A is on the minus strand). VCF-style: chr3-38897139-G-C. GRCh37 (hg19) VCF-style: chr3-38938630-G-C.
Other names: c.2109C>G, p.Ser703Arg (NM_014139.3); short protein forms S703R.
Identifiers: ClinVar variation 644628 (VCV000644628.7), dbSNP rs746649203, ClinGen allele CA72959440.